The following is an entry in ClinVar:

NM_001029883.3(PCARE):c.*1226A>G

Gene: PCARE (photoreceptor cilium actin regulator; minus strand). Cytogenetic location: 2p23.2.
Variant type: single nucleotide variant.
Coding change: c.*1226A>G on transcript NM_001029883.3 (MANE Select); 1226 bases downstream of the stop codon, A replaced by G.
Molecular consequence: 3 prime UTR variant.
Genome position (GRCh38, 1-based): chr2:29,063,643, T>C on the plus strand (A>G on the coding strand, the complement: PCARE is on the minus strand). VCF-style: chr2-29063643-T-C. GRCh37 (hg19) VCF-style: chr2-29286509-T-C.
Identifiers: ClinVar variation 335609 (VCV000335609.6), dbSNP rs59633688, ClinGen allele CA10613580.

ClinVar aggregate classification (germline): Benign. Review status: criteria provided, multiple submitters, no conflicts (2 of 4 stars). 2 submissions from 2 submitters: Benign (2). Last evaluated 2018-01-13.

Conditions:
Retinitis pigmentosa (RP). Identifiers: Orphanet 791, MedGen C0035334, MeSH D012174, MONDO:0019200, OMIM 268000. Inheritance: Autosomal dominant, autosomal recessive and X linked inheritance.

Allele frequency attached by ClinVar (database versions not stated): gnomAD exomes 0.14516; gnomAD 0.31836 and 0.31897; TOPMed 0.33814; 1000 Genomes Project 0.36661; 1000 Genomes Project 30x 0.36696.
gnomAD v4.1: 48,575 of 152,572 alleles (32%); highest among the groups gnomAD compares: East Asian, 51%; 8,436 homozygotes.

Submissions (2):

Illumina Laboratory Services, Illumina
Classification: Benign for Retinitis pigmentosa. Last evaluated: 2018-01-13. Review status: criteria provided, single submitter. Criteria: ICSL Variant Classification Criteria 13 December 2019. Collection method: clinical testing. Allele origin: germline.
Comment: This variant was observed in the ICSL laboratory as part of a predisposition screen in an ostensibly healthy population. It had not been previously curated by ICSL or reported in the Human Gene Mutation Database (HGMD: prior to June 1st, 2018), and was therefore a candidate for classification through an automated scoring system. Utilizing variant allele frequency, disease prevalence and penetrance estimates, and inheritance mode, an automated score was calculated to assess if this variant is too frequent to cause the disease. Based on the score and internal cut-off values, a variant classified as benign is not then subjected to further curation. The score for this variant resulted in a classification of benign for this disease.

Breakthrough Genomics
Classification: Benign. Review status: criteria provided, single submitter. Criteria: ACMG Guidelines, 2015. Collection method: not provided. Allele origin: germline. Inheritance: Unknown mechanism. Affected: yes.